The following is an entry in ClinVar:

ClinVar aggregate classification (germline): Uncertain significance. Review status: criteria provided, multiple submitters, no conflicts (2 of 4 stars). 2 submissions from 2 submitters: Uncertain significance (2). Last evaluated 2026-07-24.

Conditions:
Neurofibromatosis, type 1 (NF1). Also called: VON RECKLINGHAUSEN DISEASE; Peripheral type neurofibromatosis; NEUROFIBROMATOSIS, TYPE I, SOMATIC; Neurofibromatosis, type I. Identifiers: Orphanet 636, MedGen C0027831, MONDO:0018975, OMIM 162200. Disease mechanism: loss of function.
Cardiovascular phenotype. Identifiers: MedGen CN230736.
Hereditary cancer-predisposing syndrome. Also called: Hereditary Cancer Syndrome; Hereditary neoplastic syndrome; Neoplastic Syndromes, Hereditary; Tumor predisposition. Identifiers: Orphanet 140162, MedGen C0027672, MeSH D009386, MONDO:0015356.

gnomAD v4.1: 1 of 1,614,110 alleles (0.000062%); highest among the groups gnomAD compares: South Asian, 0.0011%; no homozygotes.

Submissions (2):

Ambry Genetics
Classification: Uncertain significance for Cardiovascular phenotype; Hereditary cancer-predisposing syndrome. Last evaluated: 2026-07-24. Review status: criteria provided, single submitter. Criteria: Ambry Variant Classification Scheme 2023. Collection method: clinical testing. Allele origin: germline.
Comment: The p.G1842V variant (also known as c.5525G>T), located in coding exon 37 of the NF1 gene, results from a G to T substitution at nucleotide position 5525. The glycine at codon 1842 is replaced by valine, an amino acid with dissimilar properties. This amino acid position is highly conserved in available vertebrate species. In addition, this alteration is predicted to be deleterious by in silico analysis. Based on the available evidence, the clinical significance of this variant remains unclear.

Labcorp Genetics (formerly Invitae), Labcorp
Classification: Uncertain significance for Neurofibromatosis, type 1. Last evaluated: 2025-12-08. Review status: criteria provided, single submitter. Criteria: Invitae Variant Classification Sherloc (09022015). Collection method: clinical testing. Allele origin: germline.
Comment: This sequence change replaces glycine, which is neutral and non-polar, with valine, which is neutral and non-polar, at codon 1842 of the NF1 protein (p.Gly1842Val). This variant is not present in population databases (gnomAD no frequency). This variant has not been reported in the literature in individuals affected with NF1-related conditions. Invitae Evidence Modeling of protein sequence and biophysical properties (such as structural, functional, and spatial information, amino acid conservation, physicochemical variation, residue mobility, and thermodynamic stability) indicates that this missense variant is expected to disrupt NF1 protein function with a positive predictive value of 95%. In summary, the available evidence is currently insufficient to determine the role of this variant in disease. Therefore, it has been classified as a Variant of Uncertain Significance.

NM_001042492.3(NF1):c.5588G>T (p.Gly1863Val)

Gene: NF1 (neurofibromin 1; plus strand). Cytogenetic location: 17q11.2.
Variant type: single nucleotide variant.
Coding change: c.5588G>T on transcript NM_001042492.3 (MANE Select); coding-DNA position 5588, G replaced by T.
Protein change: p.Gly1863Val; replaces glycine 1863 with valine.
Molecular consequence: missense variant.
Genome position (GRCh38, 1-based): chr17:31,327,818, G>T. VCF-style: chr17-31327818-G-T. GRCh37 (hg19) VCF-style: chr17-29654836-G-T.
Other names: c.5525G>T, p.Gly1842Val (NM_000267.4); short protein forms G1842V, G1863V.
Identifiers: ClinVar variation 4740409 (VCV004740409.2).